The following is an entry in ClinVar:

NM_004370.6(COL12A1):c.8567C>T (p.Pro2856Leu)

Gene: COL12A1 (collagen type XII alpha 1 chain; minus strand). Cytogenetic location: 6q13.
Variant type: single nucleotide variant.
Coding change: c.8567C>T on transcript NM_004370.6 (MANE Select); coding-DNA position 8567, C replaced by T.
Protein change: p.Pro2856Leu; replaces proline 2856 with leucine.
Molecular consequence: missense variant.
Genome position (GRCh38, 1-based): chr6:75,097,263, G>A on the plus strand (C>T on the coding strand, the complement: COL12A1 is on the minus strand). VCF-style: chr6-75097263-G-A. GRCh37 (hg19) VCF-style: chr6-75806979-G-A.
Other names: c.8567C>T, p.Pro2856Leu (NM_001424113.1); c.8546C>T, p.Pro2849Leu (NM_001424114.1); c.8294C>T, p.Pro2765Leu (NM_001424115.1); c.5075C>T, p.Pro1692Leu (NM_001424116.1, NM_080645.3); short protein forms P1692L, P2765L, P2849L, P2856L.
Identifiers: ClinVar variation 3347828 (VCV003347828.1).

ClinVar aggregate classification (germline): Uncertain significance (0 of 4 stars; one submission).

Conditions:
COL12A1-related disorder. Also called: COL12A1-related condition.

gnomAD v4.1: 4 of 1,613,720 alleles (0.00025%); highest among the groups gnomAD compares: East Asian, 0.0022%; no homozygotes.

Submission:

PreventionGenetics, part of Exact Sciences
Classification: Uncertain significance for COL12A1-related condition. Last evaluated: 2024-08-14. Review status: no assertion criteria provided. Collection method: clinical testing. Allele origin: germline.
Comment: The COL12A1 c.8567C>T variant is predicted to result in the amino acid substitution p.Pro2856Leu. To our knowledge, this variant has not been reported in the literature. This variant is reported in 0.0065% of alleles in individuals of African descent in gnomAD. At this time, the clinical significance of this variant is uncertain due to the absence of conclusive functional and genetic evidence.